The following is an entry in ClinVar:

NM_001004334.4(GPR179):c.4376T>G (p.Ile1459Ser)

Gene: GPR179 (G protein-coupled receptor 179; minus strand). Cytogenetic location: 17q12.
Variant type: single nucleotide variant.
Coding change: c.4376T>G on transcript NM_001004334.4 (MANE Select); coding-DNA position 4376, T replaced by G.
Protein change: p.Ile1459Ser; replaces isoleucine 1459 with serine.
Molecular consequence: missense variant.
Genome position (GRCh38, 1-based): chr17:38,329,193, A>C on the plus strand (T>G on the coding strand, the complement: GPR179 is on the minus strand). VCF-style: chr17-38329193-A-C. GRCh37 (hg19) VCF-style: chr17-36485076-A-C.
Other names: short protein forms I1459S.
Identifiers: ClinVar variation 1714645 (VCV001714645.5), dbSNP rs2512159336, ClinGen allele CA398877015.
Genomic context (GRCh38, chr17:38,329,193, plus strand): 5'-CAGATCTCTGCTTTCTGGATAGCAGGAGCATCTCCTGCCTCCCACAGACACACTTCAGCA[A>C]TGCCACTGCCCAAACTCCCTGAACACTCTGAGCTTCCTGGGGCCTGAATTGAGACTGCTG-3'
Protein context (NP_001004334.3, residues 1449-1469): SECSGSLGSG[Ile1459Ser]AEVCLWEAGD

ClinVar aggregate classification (germline): Uncertain significance (1 of 4 stars; one submission).

Submission:

Labcorp Genetics (formerly Invitae), Labcorp
Classification: Uncertain significance. Last evaluated: 2022-07-31. Review status: criteria provided, single submitter. Criteria: Invitae Variant Classification Sherloc (09022015). Collection method: clinical testing. Allele origin: germline.
Comment: In summary, the available evidence is currently insufficient to determine the role of this variant in disease. Therefore, it has been classified as a Variant of Uncertain Significance. Algorithms developed to predict the effect of missense changes on protein structure and function are either unavailable or do not agree on the potential impact of this missense change (SIFT: "Deleterious"; PolyPhen-2: "Benign"; Align-GVGD: "Class C0"). This variant has not been reported in the literature in individuals affected with GPR179-related conditions. This variant is not present in population databases (gnomAD no frequency). This sequence change replaces isoleucine, which is neutral and non-polar, with serine, which is neutral and polar, at codon 1459 of the GPR179 protein (p.Ile1459Ser).